The following is an entry in ClinVar:

NM_025114.4(CEP290):c.7198C>T (p.Gln2400Ter)

Gene: CEP290 (centrosomal protein 290; minus strand). Cytogenetic location: 12q21.32.
Variant type: single nucleotide variant.
Coding change: c.7198C>T on transcript NM_025114.4 (MANE Select); coding-DNA position 7198, C replaced by T.
Protein change: p.Gln2400Ter; replaces glutamine 2400 with a stop codon.
Molecular consequence: nonsense.
Genome position (GRCh38, 1-based): chr12:88,050,365, G>A on the plus strand (C>T on the coding strand, the complement: CEP290 is on the minus strand). VCF-style: chr12-88050365-G-A. GRCh37 (hg19) VCF-style: chr12-88444142-G-A.
Other names: short protein forms Q2400*.
Identifiers: ClinVar variation 1339724 (VCV001339724.9), dbSNP rs1478582091, ClinGen allele CA385973620.

ClinVar aggregate classification (germline): Pathogenic/Likely pathogenic. Review status: criteria provided, multiple submitters, no conflicts (2 of 4 stars). 4 submissions from 4 submitters: Pathogenic (2); Likely pathogenic (2). Last evaluated 2025-03-11.

Conditions:
Senior-Loken syndrome 6 (SLSN6). Identifiers: Orphanet 3156, MedGen C1857779, MONDO:0012433, OMIM 610189.
Joubert syndrome 5 (JBTS5). Identifiers: Orphanet 2318, MedGen C1857780, MONDO:0012432, OMIM 610188.
Bardet-Biedl syndrome 14 (BBS14). Identifiers: Orphanet 110, MedGen C2673874, MONDO:0014442, OMIM 615991.
Leber congenital amaurosis 10 (LCA10). Identifiers: Orphanet 65, MedGen C1857821, MONDO:0012723, OMIM 611755.
Meckel syndrome, type 4 (MKS4). Also called: MECKEL-GRUBER SYNDROME, TYPE 4. Identifiers: Orphanet 564, MedGen C1970161, MONDO:0012626, OMIM 611134.
CEP290-related disorder. Also called: CEP290-related disorders; CEP290-related condition. Identifiers: MedGen CN239314.
Joubert syndrome. Also called: CEREBELLOPARENCHYMAL DISORDER IV; JOUBERT-BOLTSHAUSER SYNDROME; Familial aplasia of the vermis. Identifiers: Orphanet 475, MedGen C5979921, MONDO:0018772.
Nephronophthisis. Also called: Juvenile Nephronophthisis. Identifiers: Orphanet 655, MedGen C0687120, MONDO:0019005, HP:0000090.
Meckel-Gruber syndrome. Also called: DYSENCEPHALIA SPLANCHNOCYSTICA; GRUBER SYNDROME; Dysencephalia splachnocystica. Identifiers: Orphanet 564, MedGen C0265215, MONDO:0018921.

Submissions (4):

Women's Health and Genetics/Laboratory Corporation of America, LabCorp
Classification: Pathogenic for CEP290-related disorder. Last evaluated: 2025-03-11. Review status: criteria provided, single submitter. Criteria: LabCorp Variant Classification Summary - May 2015. Collection method: clinical testing. Allele origin: germline.
Comment: Variant summary: CEP290 c.7198C>T (p.Gln2400X) results in a premature termination codon, predicted to cause a truncation of the encoded protein or absence of the protein due to nonsense mediated decay, which are commonly known mechanisms for disease. The variant was absent in 231354 control chromosomes (gnomAD). To our knowledge, no occurrence of c.7198C>T in individuals affected with CEP290-Related Disorders and no experimental evidence demonstrating its impact on protein function have been reported. Truncations downstream of this position have been classified as pathogenic by our laboratory (ex. c.7220_7223delAGAA or c.7282_7283dupAA). ClinVar contains an entry for this variant (Variation ID: 1339724). Based on the evidence outlined above, the variant was classified as pathogenic.

Labcorp Genetics (formerly Invitae), Labcorp
Classification: Pathogenic for Joubert syndrome; Meckel-Gruber syndrome; Nephronophthisis. Last evaluated: 2024-01-31. Review status: criteria provided, single submitter. Criteria: Invitae Variant Classification Sherloc (09022015). Collection method: clinical testing. Allele origin: germline.
Comment: This sequence change creates a premature translational stop signal (p.Gln2400*) in the CEP290 gene. While this is not anticipated to result in nonsense mediated decay, it is expected to disrupt the last 80 amino acid(s) of the CEP290 protein. This variant is not present in population databases (gnomAD no frequency). This variant has not been reported in the literature in individuals affected with CEP290-related conditions. ClinVar contains an entry for this variant (Variation ID: 1339724). This variant disrupts a region of the CEP290 protein in which other variant(s) (p.Leu2448Thrfs*8) have been determined to be pathogenic (PMID: 16682973, 16909394, 29588463). This suggests that this is a clinically significant region of the protein, and that variants that disrupt it are likely to be disease-causing. For these reasons, this variant has been classified as Pathogenic.

Baylor Genetics
Classification: Likely pathogenic for Bardet-Biedl syndrome 14. Last evaluated: 2023-10-05. Review status: criteria provided, single submitter. Criteria: ACMG Guidelines, 2015. Collection method: clinical testing. Allele origin: unknown.

Fulgent Genetics
Classification: Likely pathogenic for Joubert syndrome 5; Senior-Loken syndrome 6; Meckel syndrome, type 4; Leber congenital amaurosis 10; Bardet-Biedl syndrome 14. Last evaluated: 2022-04-06. Review status: criteria provided, single submitter. Criteria: ACMG Guidelines, 2015. Collection method: clinical testing. Allele origin: unknown.

Literature cited by the submitters: PubMed 16682973 (cited by Labcorp Genetics (formerly Invitae), Labcorp); PubMed 16909394 (cited by Labcorp Genetics (formerly Invitae), Labcorp); PubMed 29588463 (cited by Labcorp Genetics (formerly Invitae), Labcorp).